The following is an entry in ClinVar:

ClinVar aggregate classification (germline): Uncertain significance (1 of 4 stars; one submission).

Allele frequency attached by ClinVar (database versions not stated): ExAC 0.00002; gnomAD exomes 0.00003 and 0.00006; gnomAD 0.00005; TOPMed 0.00005.

Submission:

Labcorp Genetics (formerly Invitae), Labcorp
Classification: Uncertain significance. Last evaluated: 2024-05-21. Review status: criteria provided, single submitter. Criteria: Invitae Variant Classification Sherloc (09022015). Collection method: clinical testing. Allele origin: germline.
Comment: This sequence change replaces arginine, which is basic and polar, with glutamine, which is neutral and polar, at codon 889 of the CARMIL2 protein (p.Arg889Gln). This variant is present in population databases (rs746051027, gnomAD 0.006%). This variant has not been reported in the literature in individuals affected with CARMIL2-related conditions. ClinVar contains an entry for this variant (Variation ID: 1440058). Advanced modeling of protein sequence and biophysical properties (such as structural, functional, and spatial information, amino acid conservation, physicochemical variation, residue mobility, and thermodynamic stability) performed at Invitae indicates that this missense variant is not expected to disrupt CARMIL2 protein function with a negative predictive value of 80%. In summary, the available evidence is currently insufficient to determine the role of this variant in disease. Therefore, it has been classified as a Variant of Uncertain Significance.

NM_001013838.3(CARMIL2):c.2666G>A (p.Arg889Gln)

Gene: CARMIL2 (capping protein regulator and myosin 1 linker 2; plus strand). Cytogenetic location: 16q22.1.
Variant type: single nucleotide variant.
Coding change: c.2666G>A on transcript NM_001013838.3 (MANE Select); coding-DNA position 2666, G replaced by A.
Protein change: p.Arg889Gln; replaces arginine 889 with glutamine.
Molecular consequence: missense variant.
Genome position (GRCh38, 1-based): chr16:67,651,998, G>A. VCF-style: chr16-67651998-G-A. GRCh37 (hg19) VCF-style: chr16-67685901-G-A.
Other names: c.2558G>A, p.Arg853Gln (NM_001317026.3); short protein forms R889Q, R853Q.
Identifiers: ClinVar variation 1440058 (VCV001440058.4), dbSNP rs746051027, ClinGen allele CA8113848.